The following is an entry in ClinVar:

ClinVar aggregate classification (germline): Likely benign. Review status: criteria provided, single submitter (1 of 4 stars). 2 submissions from 2 submitters: Likely benign (1). 1 of the submissions does not count toward it. Last evaluated 2026-01-14.

Conditions:
INPP5E-related disorder. Also called: INPP5E-related condition.
Joubert syndrome. Also called: CEREBELLOPARENCHYMAL DISORDER IV; JOUBERT-BOLTSHAUSER SYNDROME; Familial aplasia of the vermis. Identifiers: Orphanet 475, MedGen C5979921, MONDO:0018772.

Allele frequency attached by ClinVar (database versions not stated): gnomAD exomes 0.00002 and 0.00003; gnomAD 0.00004 and 0.00005; TOPMed 0.00015.

Submissions (2):

Labcorp Genetics (formerly Invitae), Labcorp
Classification: Likely benign for Joubert syndrome. Last evaluated: 2026-01-14. Review status: criteria provided, single submitter. Criteria: Invitae Variant Classification Sherloc (09022015). Collection method: clinical testing. Allele origin: germline.

PreventionGenetics, part of Exact Sciences
Classification: Likely benign for INPP5E-related condition. Last evaluated: 2021-09-09. Review status: no assertion criteria provided. Collection method: clinical testing. Allele origin: germline. Not counted in ClinVar's aggregate classification.
Comment: This variant is classified as likely benign based on ACMG/AMP sequence variant interpretation guidelines (Richards et al. 2015 PMID: 25741868, with internal and published modifications).

NM_019892.6(INPP5E):c.1035-9C>T

Gene: INPP5E (inositol polyphosphate-5-phosphatase E; minus strand). Cytogenetic location: 9q34.3.
Variant type: single nucleotide variant.
Coding change: c.1035-9C>T on transcript NM_019892.6 (MANE Select); 9 bases into the intron before coding-DNA position 1035, C replaced by T.
Molecular consequence: intron variant.
Genome position (GRCh38, 1-based): chr9:136,433,288, G>A on the plus strand (C>T on the coding strand, the complement: INPP5E is on the minus strand). VCF-style: chr9-136433288-G-A. GRCh37 (hg19) VCF-style: chr9-139327740-G-A.
Other names: c.1035-9C>T (NM_001318502.2, NM_019892.5).
Identifiers: ClinVar variation 1666243 (VCV001666243.10), dbSNP rs750624613, ClinGen allele CA5336966.